The following is an entry in ClinVar:

ClinVar aggregate classification (germline): Pathogenic/Likely pathogenic. Review status: criteria provided, multiple submitters, no conflicts (2 of 4 stars). 24 submissions from 23 submitters: Pathogenic (8); Likely pathogenic (11). 5 of the submissions do not count toward it. Last evaluated 2026-01-27.

Conditions:
Familial cancer of breast. Also called: BREAST CANCER, FAMILIAL; hereditary breast carcinoma; Hereditary breast cancer. Identifiers: Orphanet 227535, MedGen C0346153, MONDO:0016419, OMIM 114480. Disease mechanism: loss of function.
Familial prostate cancer. Also called: Hereditary Prostate Cancer. Identifiers: MedGen C2931456, MONDO:0700275, OMIM 176807.
CHEK2-related cancer predisposition (TPDS4). Also called: TUMOR PREDISPOSITION SYNDROME 4; CANCER PREDISPOSITION SYNDROME, CHEK2-RELATED; CHEK2-related cancer susceptibility. Identifiers: Orphanet 524, MedGen C5882668, MONDO:0700271, OMIM 609265.
Bone osteosarcoma. Also called: Osteosarcoma, somatic. Identifiers: Orphanet 668, MedGen C0585442, MONDO:0002629, OMIM 259500.
Gastric cancer. Also called: Malignant tumor of stomach; Stomach cancer. Identifiers: MedGen C0024623, MeSH D013274, MONDO:0001056, OMIM 613659, HP:0012126.
Breast and/or ovarian cancer. Identifiers: MedGen CN221562.
Hereditary cancer-predisposing syndrome. Also called: Neoplastic Syndromes, Hereditary; Hereditary neoplastic syndrome; Hereditary Cancer Syndrome; Tumor predisposition. Identifiers: Orphanet 140162, MedGen C0027672, MeSH D009386, MONDO:0015356.
Hereditary breast ovarian cancer syndrome. Also called: Breast and ovarian cancer; Hereditary breast and/or ovarian cancer syndrome; Hereditary breast and ovarian cancer syndrome; Hereditary breast and ovarian cancer syndrome (HBOC); Hereditary breast and ovarian cancer; BRCA1- and BRCA2-Associated Hereditary Breast and Ovarian Cancer. Identifiers: Orphanet 145, MedGen C0677776, MeSH D061325, MONDO:0003582. Disease mechanism: loss of function.
Breast and colorectal cancer, susceptibility to. Also called: HBCC, susceptibility to. Identifiers: MedGen CN068920.

Allele frequency attached by ClinVar (database versions not stated): gnomAD exomes below 0.00001 and 0.00001; TOPMed 0.00003.
gnomAD v4.1: 18 of 1,588,388 alleles (0.0011%); highest among the groups gnomAD compares: East Asian, 0.013%; no homozygotes.

Submissions 1 to 8 of 24:

Labcorp Genetics (formerly Invitae), Labcorp
Classification: Likely pathogenic for Familial cancer of breast. Last evaluated: 2026-01-27. Review status: criteria provided, single submitter. Criteria: Invitae Variant Classification Sherloc (09022015). Collection method: clinical testing. Allele origin: germline.
Comment: This sequence change creates a premature translational stop signal (p.Arg519*) in the CHEK2 gene. While this is not anticipated to result in nonsense mediated decay, it is expected to disrupt the last 25 amino acid(s) of the CHEK2 protein. The frequency data for this variant in the population databases is considered unreliable, as metrics indicate poor data quality at this position in the gnomAD database. This premature translational stop signal has been observed in individual(s) with clinical features of CHEK2-related conditions (PMID: 25186627, 25503501, 27751358, 29020732, 29520813, 30287823, 30680046, 32761968). ClinVar contains an entry for this variant (Variation ID: 128064). Algorithms developed to predict the effect of variants on gene product structure and function are not available or were not evaluated for this variant. Experimental studies are conflicting or provide insufficient evidence to determine the effect of this variant on CHEK2 function (PMID: 34903604). RNA analysis performed to evaluate the impact of this premature translational stop signal on mRNA splicing indicates it does not significantly alter splicing (internal data). This variant disrupts the nuclear localization signal (NLS) of the CHEK2 protein, which is critical for proper nuclear localization (PMID: 18004398, 12909615). While functional studies have not been performed to directly test the effect of this variant on CHEK2 protein function, this suggests that disruption of this region of the protein is causative of disease. In summary, the currently available evidence indicates that the variant is pathogenic, but additional data are needed to prove that conclusively. Therefore, this variant has been classified as Likely Pathogenic.

CeGaT Center for Human Genetics Tuebingen
Classification: Likely pathogenic. Last evaluated: 2025-08-01. Review status: criteria provided, single submitter. Criteria: CeGaT Center For Human Genetics Tuebingen Variant Classification Criteria Version 2. Collection method: clinical testing. Allele origin: germline. Affected: yes. Observed: 1 variant allele.
Comment: CHEK2: PS4, PM2, PVS1:Moderate

GeneDx
Classification: Likely pathogenic. Last evaluated: 2025-03-21. Review status: criteria provided, single submitter. Criteria: GeneDx Variant Classification Process June 2021. Collection method: clinical testing. Allele origin: germline. Affected: yes.
Comment: Nonsense variant predicted to result in protein truncation, as the last 25 amino acids are lost, and other loss-of-function variants have been reported downstream in HGMD; Observed in individuals with breast, ovarian, prostate, and other cancers (PMID: 25503501, 25186627, 25318351, 32832836, 32761968, 35118230); Published functional studies are inconclusive: demonstrate intermediate impact on phosphorylation compared to wildtype (PMID: 34903604); Not observed at significant frequency in large population cohorts (gnomAD); Also known as c.1684C>T, p.(R562*); This variant is associated with the following publications: (PMID: 26681312, 29520813, 12909615, 24879340, 33309985, 36243179, 25503501, 25318351, 27751358, 29020732, 18004398, 29308099, 25186627, 30680046, 30287823, 30293905, 35273153, 32805687, 32832836, 32980694, 32761968, 34204722, 32322110, 32172797, 35118230, 32019277, 36988593, 31650100, 35643632, 38575974, 38898688, 22419737, 34903604)

Ambry Genetics
Classification: Pathogenic for Hereditary cancer-predisposing syndrome. Last evaluated: 2024-12-09. Review status: criteria provided, single submitter. Criteria: Ambry Variant Classification Scheme 2023. Collection method: clinical testing. Allele origin: germline.
Comment: The p.R519* pathogenic mutation (also known as c.1555C>T), located in coding exon 14 of the CHEK2 gene, results from a C to T substitution at nucleotide position 1555. This changes the amino acid from an arginine to a stop codon within coding exon 14. This alteration occurs at the 3' terminus of theCHEK2 gene, is not expected to trigger nonsense-mediated mRNA decay, and only impacts the last 25 amino acids of the protein. However, premature stop codons are typically deleterious in nature and the impacted region is critical for protein function (Ambry internal data; Zannini L et al. J. Biol. Chem. 2003 Oct;278:42346-51). This mutation has been reported in the literature in breast cancer and prostate cancer cohorts (Yorczyk A et al. Clin. Genet. 2015 Sep;88:278-82; Maxwell K et al. Genet. Med. 2015 Aug;17:630-8; Wu Y et al. Prostate 2018 06;78(8):607-615; Fonfria M et al. J Pers Med 2021 Jun;11(6). In addition to the clinical data presented in the literature, this alteration is expected to result in loss of function by premature protein truncation. As such, this alteration is interpreted as a disease-causing mutation.

Institute for Genomic Medicine (IGM) Clinical Laboratory, Nationwide Children's Hospital
Classification: Pathogenic for CHEK2-related cancer predisposition. Last evaluated: 2024-12-04. Review status: criteria provided, single submitter. Criteria: ACMG Guidelines, 2015. Collection method: clinical testing. Allele origin: germline.
Comment: This variant is predicted to result in loss of function through nonsense-mediated decay of the encoded transcript or premature truncation of the encoded protein in a gene in which loss of function is a known mechanism of disease (ACMG/AMP: PVS1; PMIDs:15361853, 24879340). Well-established functional studies have demonstrated this variant to have a damaging effect on protein function or splicing (ACMG/AMP: PS3; PMID:34903604). This variant has been reported at an elevated frequency in affected individuals/in multiple affected individuals in the literature (ACMG/AMP: PS4; PMIDs:25503501, 25318351, 26681312, 32761968, 30680046, 29020732, 27751358). This variant is absent from or present at an exceedingly low frequency in gnomAD, a large-scale control population database (ACMG/AMP: PM2).

Institute of Human Genetics, University of Leipzig Medical Center
Classification: Likely pathogenic for CHEK2-related cancer predisposition. Last evaluated: 2024-10-01. Review status: criteria provided, single submitter. Criteria: ACMG Guidelines, 2015. Collection method: clinical testing. Allele origin: unknown. Inheritance: Autosomal dominant inheritance. Affected: yes.
Comment: Criteria applied: PVS1_STR, PS4_MOD, PM2_SUP

Institute of Human Genetics, Heidelberg University
Classification: Likely pathogenic for Familial cancer of breast; Familial prostate cancer. Last evaluated: 2024-05-14. Review status: criteria provided, single submitter. Criteria: ACMG Guidelines, 2015. Collection method: clinical testing. Allele origin: paternal. Observed: 2 variant alleles.
Comment: secondary finding

Color Diagnostics, LLC DBA Color Health
Classification: Pathogenic for Hereditary cancer-predisposing syndrome. Last evaluated: 2024-04-15. Review status: criteria provided, single submitter. Criteria: ACMG Guidelines, 2015. Collection method: clinical testing. Allele origin: germline.
Comment: This variant changes 1 nucleotide in exon 15 of the CHEK2 gene, creating a premature translation stop signal in the last coding exon. The mutant transcript is likely to escape nonsense-mediated decay and expressed as a truncated protein that lacks the functionally important nuclear localization signal (PMID: 12909615, 16798742, 24879340). A functional study in mouse embryonic stem cells showed this variant has intermediate impact on Kap1 phosphorylation (PMID: 34903604). This variant has been reported in ten individuals affected with breast cancer, including two individuals having a family history of breast or colorectal cancer (PMID: 25503501, 25318351, 30287823, 32761968; Color internal data) and in an individual affected with ovarian cancer with a family history colorectal cancer (PMID: 29020732). This variant has also been reported individuals affected with uterine cancer (PMID: 30680046) and prostate cancer (PMID: 29520813), and in four unaffected individuals (PMID: 30287823). This variant has not been identified in the general population by the Genome Aggregation Database (gnomAD). Based on the available evidence, this variant is classified as Pathogenic.

NM_007194.4(CHEK2):c.1555C>T (p.Arg519Ter)

Gene: CHEK2 (checkpoint kinase 2; minus strand). Cytogenetic location: 22q12.1.
Variant type: single nucleotide variant.
Coding change: c.1555C>T on transcript NM_007194.4 (MANE Select); coding-DNA position 1555, C replaced by T.
Protein change: p.Arg519Ter; replaces arginine 519 with a stop codon.
Molecular consequence: nonsense.
Genome position (GRCh38, 1-based): chr22:28,687,974, G>A on the plus strand (C>T on the coding strand, the complement: CHEK2 is on the minus strand). VCF-style: chr22-28687974-G-A. GRCh37 (hg19) VCF-style: chr22-29083962-G-A.
Other names: p.R519*:CGA>TGA; c.1684C>T, p.Arg562Ter (NM_001005735.3); c.892C>T, p.Arg298Ter (NM_001257387.3); c.1354C>T, p.Arg452Ter (NM_001349956.3); c.1468C>T, p.Arg490Ter (NM_145862.3); short protein forms R519*, R562*, R490*, R298*, R452*.
Identifiers: ClinVar variation 128064 (VCV000128064.71), dbSNP rs200432447, ClinGen allele CA288290.